The following is an entry in ClinVar:

ClinVar aggregate classification (germline): Uncertain significance (1 of 4 stars; one submission).

Submission:

GeneDx
Classification: Uncertain significance. Last evaluated: 2025-07-18. Review status: criteria provided, single submitter. Criteria: GeneDx Variant Classification Process June 2021. Collection method: clinical testing. Allele origin: germline. Affected: yes.
Comment: Not observed at significant frequency in large population cohorts (gnomAD); In-frame deletion of 1 amino acid in a non-repeat region; In silico analysis supports a deleterious effect on protein structure/function; Has not been previously published as pathogenic or benign to our knowledge

NM_144599.5(NIPA1):c.148AAG[1] (p.Lys51del)

Genes: NIPA1 (NIPA magnesium transporter 1; plus strand), LOC130056709 (ATAC-STARR-seq lymphoblastoid silent region 6259; plus strand). Cytogenetic location: 15q11.2.
Variant type: Microsatellite.
Coding change: c.148AAG[1] on transcript NM_144599.5 (MANE Select); one copy of the 3-base unit AAG starting at c.148; the reference has two copies in a row; one copy, 3 bases deleted.
Protein change: p.Lys51del; deletes lysine 51.
Molecular consequence: inframe deletion. On other transcripts: intron variant (1).
Genome position (GRCh38, 1-based): chr15:22,786,807-22,786,809, AAG deleted; deleting any 3 consecutive bases within chr15:22,786,802-22,786,809 gives the same sequence; the position shown is the placement nearest the transcript's 3' end. VCF-style (leftmost placement, unchanged base first): chr15-22786801-CAGA-C. GRCh37 (hg19) VCF-style: chr15-23086258-CCTT-C.
Other names: c.-48+559_-48+561del (NM_001142275.1); short protein forms K51del.
Identifiers: ClinVar variation 4686348 (VCV004686348.1).